The following is an entry in ClinVar:

ClinVar aggregate classification (germline): Uncertain significance (1 of 4 stars; one submission).

Submission:

Labcorp Genetics (formerly Invitae), Labcorp
Classification: Uncertain significance. Last evaluated: 2024-10-26. Review status: criteria provided, single submitter. Criteria: Invitae Variant Classification Sherloc (09022015). Collection method: clinical testing. Allele origin: germline.
Comment: This sequence change replaces serine, which is neutral and polar, with leucine, which is neutral and non-polar, at codon 1921 of the PCDH15 protein (p.Ser1921Leu). This variant is not present in population databases (gnomAD no frequency). This variant has not been reported in the literature in individuals affected with PCDH15-related conditions. ClinVar contains an entry for this variant (Variation ID: 1354310). Invitae Evidence Modeling of protein sequence and biophysical properties (such as structural, functional, and spatial information, amino acid conservation, physicochemical variation, residue mobility, and thermodynamic stability) indicates that this missense variant is not expected to disrupt PCDH15 protein function with a negative predictive value of 95%. In summary, the available evidence is currently insufficient to determine the role of this variant in disease. Therefore, it has been classified as a Variant of Uncertain Significance.

NM_033056.4(PCDH15):c.5762C>T (p.Ser1921Leu)

Gene: PCDH15 (protocadherin related 15; minus strand). Cytogenetic location: 10q21.1.
Variant type: single nucleotide variant.
Coding change: c.5762C>T on transcript NM_033056.4 (MANE Plus Clinical); coding-DNA position 5762, C replaced by T.
Protein change: p.Ser1921Leu; replaces serine 1921 with leucine.
Molecular consequence: missense variant. On other transcripts: intron variant (8).
Genome position (GRCh38, 1-based): chr10:53,821,964, G>A on the plus strand (C>T on the coding strand, the complement: PCDH15 is on the minus strand). VCF-style: chr10-53821964-G-A. GRCh37 (hg19) VCF-style: chr10-55581724-G-A.
Other names: c.5783C>T, p.Ser1928Leu (NM_001142763.2); c.5768C>T, p.Ser1923Leu (NM_001142764.2); c.5555C>T, p.Ser1852Leu (NM_001142765.2); c.5753C>T, p.Ser1918Leu (NM_001142766.2); c.5642C>T, p.Ser1881Leu (NM_001142767.2); c.5702C>T, p.Ser1901Leu (NM_001142768.2); c.5693C>T, p.Ser1898Leu (NM_001142773.2); c.5696C>T, p.Ser1899Leu (NM_001354404.2); and 7 more; short protein forms S1898L, S1899L, S1901L, S1918L, S1928L, S1881L, S1923L, S1852L.
Identifiers: ClinVar variation 1354310 (VCV001354310.8), dbSNP rs2132481220, ClinGen allele CA376524275.
Genomic context (GRCh38, chr10:53,821,964, plus strand): 5'-ACAATATTGTTCAAACTCCCCTTGTTTTGTTCAGATGTGATTTCCATATTTGTTACTTCT[G>A]AAGGGCACATAGTTTGAAGTTCTGAAACATTTGTGCGTAGATAGTTTTTTTCTATTTGAC-3'
Protein context (NP_149045.3, residues 1911-1931): NVSELQTMCP[Ser1921Leu]EVTNMEITSE